The following is an entry in ClinVar:

ClinVar aggregate classification (germline): Likely benign (1 of 4 stars; one submission).

Submission:

GeneDx
Classification: Likely benign. Last evaluated: 2018-01-30. Review status: criteria provided, single submitter. Criteria: GeneDx Variant Classification (06012015). Collection method: clinical testing. Allele origin: germline. Affected: yes.
Comment: This variant is considered likely benign or benign based on one or more of the following criteria: it is a conservative change, it occurs at a poorly conserved position in the protein, it is predicted to be benign by multiple in silico algorithms, and/or has population frequency not consistent with disease.

NM_001085411.3(NADK2):c.213G>A (p.Val71=)

Genes: NADK2 (NAD kinase 2, mitochondrial; minus strand), LOC129993801 (ATAC-STARR-seq lymphoblastoid silent region 15972; plus strand). Cytogenetic location: 5p13.2.
Variant type: single nucleotide variant.
Coding change: c.213G>A on transcript NM_001085411.3 (MANE Select); coding-DNA position 213, G replaced by A.
Protein change: p.Val71=; no amino-acid change (valine 71 retained).
Molecular consequence: synonymous variant. On other transcripts: intron variant (2).
Genome position (GRCh38, 1-based): chr5:36,241,586, C>T on the plus strand (G>A on the coding strand, the complement: NADK2 is on the minus strand). VCF-style: chr5-36241586-C-T. GRCh37 (hg19) VCF-style: chr5-36241688-C-T.
Other names: c.-190+510G>A (NM_153013.5, NM_001287341.2).
Identifiers: ClinVar variation 514803 (VCV000514803.1), dbSNP rs1554012037, ClinGen allele CA444094713.